The following is an entry in ClinVar:

NM_000051.4(ATM):c.4437-9C>T

Gene: ATM (ATM serine/threonine kinase; plus strand). Cytogenetic location: 11q22.3.
Variant type: single nucleotide variant.
Coding change: c.4437-9C>T on transcript NM_000051.4 (MANE Select); 9 bases into the intron before coding-DNA position 4437, C replaced by T.
Molecular consequence: intron variant.
Genome position (GRCh38, 1-based): chr11:108,292,610, C>T. VCF-style: chr11-108292610-C-T. GRCh37 (hg19) VCF-style: chr11-108163337-C-T.
Other names: c.4437-9C>T (NM_001351834.2).
Identifiers: ClinVar variation 216215 (VCV000216215.31), dbSNP rs766003804, ClinGen allele CA335706.

ClinVar aggregate classification (germline): Likely benign. Review status: criteria provided, multiple submitters, no conflicts (2 of 4 stars). 12 submissions from 12 submitters: Likely benign (10). 2 of the submissions do not count toward it. Last evaluated 2025-12-14.

Conditions:
ATM-related disorder. Also called: ATM-related disorders; ATM-related condition.
Hereditary cancer-predisposing syndrome. Also called: Hereditary Cancer Syndrome; Tumor predisposition; Neoplastic Syndromes, Hereditary; Hereditary neoplastic syndrome. Identifiers: Orphanet 140162, MedGen C0027672, MeSH D009386, MONDO:0015356.
Familial cancer of breast. Also called: hereditary breast carcinoma; BREAST CANCER, FAMILIAL; Hereditary breast cancer. Identifiers: Orphanet 227535, MedGen C0346153, MONDO:0016419, OMIM 114480. Disease mechanism: loss of function.
Ataxia-telangiectasia syndrome (AT). Also called: Ataxia telangiectasia (A-T); Cerebello-oculocutaneous telangiectasia; Immunodeficiency with ataxia telangiectasia; Ataxia-telangiectasia; LOUIS-BAR SYNDROME; Ataxia-telangiectasia, complementation group D. Identifiers: Orphanet 100, MedGen C0004135, MONDO:0008840, OMIM 208900.

Allele frequency attached by ClinVar (database versions not stated): ExAC 0.00002; gnomAD exomes 0.00002.

Submissions (12):

Labcorp Genetics (formerly Invitae), Labcorp
Classification: Likely benign for Ataxia-telangiectasia syndrome. Last evaluated: 2025-12-14. Review status: criteria provided, single submitter. Criteria: Invitae Variant Classification Sherloc (09022015). Collection method: clinical testing. Allele origin: germline.

Center for Genomic Medicine, Rigshospitalet, Copenhagen University Hospital
Classification: Likely benign. Last evaluated: 2025-03-04. Review status: criteria provided, single submitter. Criteria: ACMG Guidelines, 2015. Collection method: clinical testing. Allele origin: germline.

Women's Health and Genetics/Laboratory Corporation of America, LabCorp
Classification: Likely benign. Last evaluated: 2024-12-11. Review status: criteria provided, single submitter. Criteria: LabCorp Variant Classification Summary - May 2015. Collection method: clinical testing. Allele origin: germline.

Myriad Genetics, Inc.
Classification: Likely benign for Familial cancer of breast. Last evaluated: 2024-05-17. Review status: criteria provided, single submitter. Criteria: Myriad Autosomal Dominant, Autosomal Recessive and X-Linked Classification Criteria (2023). Collection method: clinical testing. Allele origin: unknown.
Comment: This variant is considered likely benign. This variant is intronic and is not expected to impact mRNA splicing.

Blueprint Genetics
Classification: Likely benign. Last evaluated: 2024-03-27. Review status: criteria provided, single submitter. Criteria: ACMG Guidelines, 2015. Collection method: clinical testing. Allele origin: germline.

Department of Pathology and Laboratory Medicine, Sinai Health System
Classification: Likely benign for Familial cancer of breast. Last evaluated: 2020-12-04. Review status: criteria provided, single submitter. Criteria: ACMG Guidelines, 2015. Collection method: clinical testing. Allele origin: germline. Affected: yes.

Mendelics
Classification: Likely benign for Ataxia-telangiectasia syndrome. Last evaluated: 2019-05-28. Review status: criteria provided, single submitter. Criteria: Mendelics Assertion Criteria 2017. Collection method: clinical testing. Allele origin: unknown.

Genetic Services Laboratory, University of Chicago
Classification: Likely benign. Last evaluated: 2019-02-27. Review status: criteria provided, single submitter. Criteria: ACMG Guidelines, 2015. Collection method: clinical testing. Allele origin: germline. Affected: no.

GeneDx
Classification: Likely benign. Last evaluated: 2018-07-02. Review status: criteria provided, single submitter. Criteria: GeneDx Variant Classification Process June 2021. Collection method: clinical testing. Allele origin: germline. Affected: yes.

Color Diagnostics, LLC DBA Color Health
Classification: Likely benign for Hereditary cancer-predisposing syndrome. Last evaluated: 2017-08-21. Review status: criteria provided, single submitter. Criteria: ACMG Guidelines, 2015. Collection method: clinical testing. Allele origin: germline.

PreventionGenetics, part of Exact Sciences
Classification: Likely benign for ATM-related condition. Last evaluated: 2020-09-30. Review status: no assertion criteria provided. Collection method: clinical testing. Allele origin: germline. Not counted in ClinVar's aggregate classification.
Comment: This variant is classified as likely benign based on ACMG/AMP sequence variant interpretation guidelines (Richards et al. 2015 PMID: 25741868, with internal and published modifications).

Counsyl
Classification: Likely benign for Ataxia-telangiectasia syndrome. Last evaluated: 2018-03-09. Review status: no assertion criteria provided. Collection method: clinical testing. Allele origin: unknown. Not counted in ClinVar's aggregate classification.